The following is an entry in ClinVar:

NM_001365951.3(KIF1B):c.4865C>T (p.Ser1622Phe)

Gene: KIF1B (kinesin family member 1B; plus strand). Cytogenetic location: 1p36.22.
Variant type: single nucleotide variant.
Coding change: c.4865C>T on transcript NM_001365951.3 (MANE Select); coding-DNA position 4865, C replaced by T.
Protein change: p.Ser1622Phe; replaces serine 1622 with phenylalanine.
Molecular consequence: missense variant.
Genome position (GRCh38, 1-based): chr1:10,371,181, C>T. VCF-style: chr1-10371181-C-T. GRCh37 (hg19) VCF-style: chr1-10431239-C-T.
Other names: c.4865C>T, p.Ser1622Phe (NM_001365952.1); c.4727C>T, p.Ser1576Phe (NM_015074.3); short protein forms S1576F, S1622F.
Identifiers: ClinVar variation 3226516 (VCV003226516.1), dbSNP rs2521951925, ClinGen allele CA338327446.

ClinVar aggregate classification (germline): Uncertain significance (1 of 4 stars; one submission).

Submission:

Ambry Genetics
Classification: Uncertain significance. Last evaluated: 2024-02-04. Review status: criteria provided, single submitter. Criteria: Ambry Variant Classification Scheme 2023. Collection method: clinical testing. Allele origin: germline.
Comment: The p.S1576F variant (also known as c.4727C>T), located in coding exon 42 of the KIF1B gene, results from a C to T substitution at nucleotide position 4727. The serine at codon 1576 is replaced by phenylalanine, an amino acid with highly dissimilar properties. This amino acid position is conserved. In addition, this alteration is predicted to be tolerated by in silico analysis. Based on the available evidence, the clinical significance of this alteration remains unclear.